The following is an entry in ClinVar:

ClinVar aggregate classification (germline): Uncertain significance (1 of 4 stars; one submission).

Submission:

GeneDx
Classification: Uncertain significance. Last evaluated: 2023-12-28. Review status: criteria provided, single submitter. Criteria: GeneDx Variant Classification Process June 2021. Collection method: clinical testing. Allele origin: germline. Affected: yes.
Comment: Not observed at significant frequency in large population cohorts (gnomAD); In silico analysis supports that this missense variant does not alter protein structure/function; Has not been previously published as pathogenic or benign to our knowledge

NM_001003694.2(BRPF1):c.3137G>A (p.Ser1046Asn)

Gene: BRPF1 (bromodomain and PHD finger containing 1; plus strand). Cytogenetic location: 3p25.3.
Variant type: single nucleotide variant.
Coding change: c.3137G>A on transcript NM_001003694.2 (MANE Select); coding-DNA position 3137, G replaced by A.
Protein change: p.Ser1046Asn; replaces serine 1046 with asparagine.
Molecular consequence: missense variant. On other transcripts: non-coding transcript variant (1).
Genome position (GRCh38, 1-based): chr3:9,745,641, G>A. VCF-style: chr3-9745641-G-A. GRCh37 (hg19) VCF-style: chr3-9787325-G-A.
Other names: c.2834G>A, p.Ser945Asn (NM_001319049.2); c.3116G>A, p.Ser1039Asn (NM_001319050.2); c.3134G>A, p.Ser1045Asn (NM_001410704.1); c.3119G>A, p.Ser1040Asn (NM_004634.3); short protein forms S1039N, S1040N, S1045N, S1046N, S945N.
Identifiers: ClinVar variation 3370186 (VCV003370186.1).